The following is an entry in ClinVar:

NM_003613.4(CILP):c.2936A>G (p.Gln979Arg)

Gene: CILP (cartilage intermediate layer protein; minus strand). Cytogenetic location: 15q22.31.
Variant type: single nucleotide variant.
Coding change: c.2936A>G on transcript NM_003613.4 (MANE Select); coding-DNA position 2936, A replaced by G.
Protein change: p.Gln979Arg; replaces glutamine 979 with arginine.
Molecular consequence: missense variant.
Genome position (GRCh38, 1-based): chr15:65,197,350, T>C on the plus strand (A>G on the coding strand, the complement: CILP is on the minus strand). VCF-style: chr15-65197350-T-C. GRCh37 (hg19) VCF-style: chr15-65489688-T-C.
Other names: short protein forms Q979R.
Identifiers: ClinVar variation 3058903 (VCV003058903.2), dbSNP rs2679117, ClinGen allele CA7615202.
Genomic context (GRCh38, chr15:65,197,350, plus strand): 5'-GGCTGGTCCCTGTCCCGAGTGCTCCTCACATCTCGGATTCCATACAGCTTCCCCACTGTC[T>C]GCCGATGAGTGCCCCCCATGTTGCGGGATCGCACATTCACTTCCAGTGGCCCCACAATCT-3'
Protein context (NP_003604.4, residues 969-989): RSRNMGGTHR[Gln979Arg]TVGKLYGIRD

ClinVar aggregate classification (germline): Benign (0 of 4 stars; one submission).

Conditions:
CILP-related disorder. Also called: CILP-related condition.

Allele frequency attached by ClinVar (database versions not stated): ESP Exome Variant Server 0.98608; TOPMed 0.98760; gnomAD 0.98897; 1000 Genomes Project 30x 0.99094; 1000 Genomes Project 0.99101; ExAC 0.99655.
gnomAD v4.1: 1,610,911 of 1,614,202 alleles (100%); highest among the groups gnomAD compares: South Asian, 100%; 803,869 homozygotes.

Submission:

PreventionGenetics, part of Exact Sciences
Classification: Benign for CILP-related condition. Last evaluated: 2020-01-02. Review status: no assertion criteria provided. Collection method: clinical testing. Allele origin: germline.
Comment: This variant is classified as benign based on ACMG/AMP sequence variant interpretation guidelines (Richards et al. 2015 PMID: 25741868, with internal and published modifications).